The following is an entry in ClinVar:

ClinVar aggregate classification (germline): Uncertain significance (1 of 4 stars; one submission).

Allele frequency attached by ClinVar (database versions not stated): gnomAD 0.00001; gnomAD exomes 0.00001 and 0.00003; TOPMed 0.00005.

Submission:

Labcorp Genetics (formerly Invitae), Labcorp
Classification: Uncertain significance. Last evaluated: 2021-09-01. Review status: criteria provided, single submitter. Criteria: Invitae Variant Classification Sherloc (09022015). Collection method: clinical testing. Allele origin: germline.
Comment: This sequence change replaces alanine with serine at codon 789 of the SPEG protein (p.Ala789Ser). The alanine residue is moderately conserved and there is a moderate physicochemical difference between alanine and serine. This variant is not present in population databases (ExAC no frequency). This variant has not been reported in the literature in individuals affected with SPEG-related conditions. Algorithms developed to predict the effect of missense changes on protein structure and function output the following: SIFT: "Tolerated"; PolyPhen-2: "Benign"; Align-GVGD: "Class C0". The serine amino acid residue is found in multiple mammalian species, which suggests that this missense change does not adversely affect protein function. In summary, the available evidence is currently insufficient to determine the role of this variant in disease. Therefore, it has been classified as a Variant of Uncertain Significance.

NM_005876.5(SPEG):c.2365G>T (p.Ala789Ser)

Gene: SPEG (striated muscle enriched protein kinase; plus strand). Cytogenetic location: 2q35.
Variant type: single nucleotide variant.
Coding change: c.2365G>T on transcript NM_005876.5 (MANE Select); coding-DNA position 2365, G replaced by T.
Protein change: p.Ala789Ser; replaces alanine 789 with serine.
Molecular consequence: missense variant.
Genome position (GRCh38, 1-based): chr2:219,451,732, G>T. VCF-style: chr2-219451732-G-T. GRCh37 (hg19) VCF-style: chr2-220316454-G-T.
Other names: short protein forms A789S.
Identifiers: ClinVar variation 1510056 (VCV001510056.5), dbSNP rs1418811382, ClinGen allele CA350731040.
Genomic context (GRCh38, chr2:219,451,732, plus strand): 5'-CTCCTCCGGGCTGAGGGTGAGCGGCACACCCTGCTGCTCAGGGAGGCCAGGGCAGCAGAT[G>T]CCGGGAGCTATATGGCCACCGCCACCAACGAGCTGGGCCAGGCCACCTGTGCCGCCTCAC-3'
Protein context (NP_005867.3, residues 779-799): LLLREARAAD[Ala789Ser]GSYMATATNE